The following is an entry in ClinVar:

ClinVar aggregate classification (germline): Uncertain significance (1 of 4 stars; one submission).

Conditions:
Familial cold autoinflammatory syndrome 2 (FCAS2). Identifiers: Orphanet 247868, MedGen C2673198, MONDO:0012724, OMIM 611762.

gnomAD v4.1: 3 of 1,612,986 alleles (0.00019%); highest among the groups gnomAD compares: East Asian, 0.0067%; no homozygotes.

Submission:

Labcorp Genetics (formerly Invitae), Labcorp
Classification: Uncertain significance for Familial cold autoinflammatory syndrome 2. Last evaluated: 2024-03-07. Review status: criteria provided, single submitter. Criteria: Invitae Variant Classification Sherloc (09022015). Collection method: clinical testing. Allele origin: germline.
Comment: This sequence change replaces aspartic acid, which is acidic and polar, with alanine, which is neutral and non-polar, at codon 97 of the NLRP12 protein (p.Asp97Ala). This variant is not present in population databases (gnomAD no frequency). This variant has not been reported in the literature in individuals affected with NLRP12-related conditions. An algorithm developed to predict the effect of missense changes on protein structure and function (PolyPhen-2) suggests that this variant is likely to be tolerated. In summary, the available evidence is currently insufficient to determine the role of this variant in disease. Therefore, it has been classified as a Variant of Uncertain Significance.

NM_144687.4(NLRP12):c.290A>C (p.Asp97Ala)

Gene: NLRP12 (NLR family pyrin domain containing 12; minus strand). Cytogenetic location: 19q13.42.
Variant type: single nucleotide variant.
Coding change: c.290A>C on transcript NM_144687.4 (MANE Select); coding-DNA position 290, A replaced by C.
Protein change: p.Asp97Ala; replaces aspartic acid 97 with alanine.
Molecular consequence: missense variant.
Genome position (GRCh38, 1-based): chr19:53,814,988, T>G on the plus strand (A>C on the coding strand, the complement: NLRP12 is on the minus strand). VCF-style: chr19-53814988-T-G. GRCh37 (hg19) VCF-style: chr19-54318242-T-G.
Other names: c.290A>C, p.Asp97Ala (NM_001277126.2, NM_001277129.1); short protein forms D97A.
Identifiers: ClinVar variation 3630802 (VCV003630802.2).
Genomic context (GRCh38, chr19:53,814,988, plus strand): 5'-GAGACTTCCAGAAGGCATGTTGACTGGTTCCCAAGTGAGGACGGGCCACCAGGTGGGGTA[T>G]CTGGAAGAGAAATTGTGGAAGATGAGCTAGCACGCATCTGGCTAGTAGCACCGCGTCATA-3'
Protein context (NP_653288.1, residues 87-107): ERGQREDLVR[Asp97Ala]TPPGGPSSLG